The following is an entry in ClinVar:

ClinVar aggregate classification (germline): Benign/Likely benign. Review status: criteria provided, multiple submitters, no conflicts (2 of 4 stars). 3 submissions from 3 submitters: Benign (1); Likely benign (2). Last evaluated 2021-05-16.

Conditions:
Spinocerebellar ataxia type 27 (SCA27). Identifiers: Orphanet 98764, MedGen C1836383, MONDO:0012247.

Allele frequency attached by ClinVar (database versions not stated): 1000 Genomes Project 30x 0.00437; 1000 Genomes Project 0.00499; TOPMed 0.00909; ExAC 0.00937; gnomAD exomes 0.00962; gnomAD 0.00965 and 0.01007; ESP Exome Variant Server 0.00969.
gnomAD v4.1: 20,651 of 1,612,712 alleles (1.3%); highest among the groups gnomAD compares: Non-Finnish European, 1.5%; 146 homozygotes.

Submissions (3):

GeneDx
Classification: Likely benign. Last evaluated: 2021-05-16. Review status: criteria provided, single submitter. Criteria: GeneDx Variant Classification Process June 2021. Collection method: clinical testing. Allele origin: germline. Affected: yes.

Illumina Laboratory Services, Illumina
Classification: Benign for Spinocerebellar ataxia 27A. Last evaluated: 2018-01-12. Review status: criteria provided, single submitter. Criteria: ICSL Variant Classification Criteria 13 December 2019. Collection method: clinical testing. Allele origin: germline.
Comment: This variant was observed in the ICSL laboratory as part of a predisposition screen in an ostensibly healthy population. It had not been previously curated by ICSL or reported in the Human Gene Mutation Database (HGMD: prior to June 1st, 2018), and was therefore a candidate for classification through an automated scoring system. Utilizing variant allele frequency, disease prevalence and penetrance estimates, and inheritance mode, an automated score was calculated to assess if this variant is too frequent to cause the disease. Based on the score and internal cut-off values, a variant classified as benign is not then subjected to further curation. The score for this variant resulted in a classification of benign for this disease.

Breakthrough Genomics
Classification: Likely benign. Review status: criteria provided, single submitter. Criteria: ACMG Guidelines, 2015. Collection method: not provided. Allele origin: germline. Inheritance: Autosomal dominant inheritance. Affected: yes.

NM_004115.4(FGF14):c.*31G>A

Gene: FGF14 (fibroblast growth factor 14; minus strand). Cytogenetic location: 13q33.1.
Variant type: single nucleotide variant.
Coding change: c.*31G>A on transcript NM_004115.4 (MANE Select); 31 bases downstream of the stop codon, G replaced by A.
Molecular consequence: 3 prime UTR variant.
Genome position (GRCh38, 1-based): chr13:101,722,800, C>T on the plus strand (G>A on the coding strand, the complement: FGF14 is on the minus strand). VCF-style: chr13-101722800-C-T. GRCh37 (hg19) VCF-style: chr13-102375150-C-T.
Other names: c.*31G>A (NM_001321931.1, NM_001321932.1, NM_001321933.1 and 17 more transcripts).
Identifiers: ClinVar variation 310892 (VCV000310892.7), dbSNP rs149661933, ClinGen allele CA7037084.